The following is an entry in ClinVar:

ClinVar aggregate classification (germline): Likely pathogenic (1 of 4 stars; one submission).

Submission:

Labcorp Genetics (formerly Invitae), Labcorp
Classification: Likely pathogenic. Last evaluated: 2023-09-26. Review status: criteria provided, single submitter. Criteria: Invitae Variant Classification Sherloc (09022015). Collection method: clinical testing. Allele origin: unknown.
Comment: This variant results in a copy number gain of the genomic region encompassing exon(s) 45-47 of the CDH23 gene. While the exact position of this variant cannot be determined from the data, sub-genic copy number gains are generally in tandem (PMID: 25640679). This variant is predicted to be out-of-frame, and may result in an absent or disrupted protein product. Loss-of-function variants in CDH23 are known to be pathogenic (PMID: 11138009, 21940737). This variant has not been reported in the literature in individuals affected with CDH23-related conditions. In summary, the currently available evidence indicates that the variant is pathogenic, but additional data are needed to prove that conclusively. Therefore, this variant has been classified as Likely Pathogenic.

Literature cited by the submitters: PubMed 25640679; PubMed 11138009; PubMed 21940737.

NC_000010.10:g.(?_73548677)_(73551112_?)dup

Gene: CDH23 (cadherin related 23; plus strand). Cytogenetic location: 10q22.1.
Variant type: Duplication.
Identifiers: ClinVar variation 3245006 (VCV003245006.1).